The following is an entry in ClinVar:

ClinVar aggregate classification (germline): Likely benign. Review status: criteria provided, multiple submitters, no conflicts (2 of 4 stars). 3 submissions from 3 submitters: Likely benign (2). 1 of the submissions does not count toward it. Last evaluated 2025-12-01.

Conditions:
COL18A1-related disorder. Also called: COL18A1-related condition; COL18A1-related disorders.

gnomAD v4.1: 61 of 1,603,530 alleles (0.0038%); highest among the groups gnomAD compares: Admixed American, 0.023%; no homozygotes.

Submissions (3):

Labcorp Genetics (formerly Invitae), Labcorp
Classification: Likely benign. Last evaluated: 2025-12-01. Review status: criteria provided, single submitter. Criteria: Invitae Variant Classification Sherloc (09022015). Collection method: clinical testing. Allele origin: germline.

Blueprint Genetics
Classification: Likely benign. Last evaluated: 2023-09-21. Review status: criteria provided, single submitter. Criteria: ACMG Guidelines, 2015. Collection method: clinical testing. Allele origin: germline.

PreventionGenetics, part of Exact Sciences
Classification: Likely benign for COL18A1-related condition. Last evaluated: 2022-11-18. Review status: no assertion criteria provided. Collection method: clinical testing. Allele origin: germline. Not counted in ClinVar's aggregate classification.
Comment: This variant is classified as likely benign based on ACMG/AMP sequence variant interpretation guidelines (Richards et al. 2015 PMID: 25741868, with internal and published modifications).

NM_001379500.1(COL18A1):c.624G>C (p.Ala208=)

Gene: COL18A1 (collagen type XVIII alpha 1 chain; plus strand). Cytogenetic location: 21q22.3.
Variant type: single nucleotide variant.
Coding change: c.624G>C on transcript NM_001379500.1 (MANE Select); coding-DNA position 624, G replaced by C.
Protein change: p.Ala208=; no amino-acid change (alanine 208 retained).
Molecular consequence: synonymous variant.
Genome position (GRCh38, 1-based): chr21:45,468,759, G>C. VCF-style: chr21-45468759-G-C. GRCh37 (hg19) VCF-style: chr21-46888673-G-C.
Other names: c.1164G>C, p.Ala388= (NM_030582.4); c.1869G>C, p.Ala623= (NM_130444.3); c.1164G>C (NM_030582.3).
Identifiers: ClinVar variation 1105968 (VCV001105968.12), dbSNP rs76148908, ClinGen allele CA10065805.